The following is an entry in ClinVar:

ClinVar aggregate classification (germline): Uncertain significance (1 of 4 stars; one submission).

Submission:

Ambry Genetics
Classification: Uncertain significance. Last evaluated: 2025-09-01. Review status: criteria provided, single submitter. Criteria: Ambry Variant Classification Scheme 2023. Collection method: clinical testing. Allele origin: germline.
Comment: The p.G130S variant (also known as c.388G>A), located in coding exon 3 of the RNF43 gene, results from a G to A substitution at nucleotide position 388. The glycine at codon 130 is replaced by serine, an amino acid with similar properties. This amino acid position is conserved. In addition, this alteration is predicted to be tolerated by in silico analysis. Based on the available evidence, the clinical significance of this variant remains unclear.

NM_017763.6(RNF43):c.388G>A (p.Gly130Ser)

Gene: RNF43 (ring finger protein 43; minus strand). Cytogenetic location: 17q22.
Variant type: single nucleotide variant.
Coding change: c.388G>A on transcript NM_017763.6 (MANE Select); coding-DNA position 388, G replaced by A.
Protein change: p.Gly130Ser; replaces glycine 130 with serine.
Molecular consequence: missense variant.
Genome position (GRCh38, 1-based): chr17:58,363,588, C>T on the plus strand (G>A on the coding strand, the complement: RNF43 is on the minus strand). VCF-style: chr17-58363588-C-T. GRCh37 (hg19) VCF-style: chr17-56440949-C-T.
Other names: c.388G>A, p.Gly130Ser (NM_001305544.3, NM_001438820.1, NM_001438821.1 and 1 more transcripts); c.7G>A, p.Gly3Ser (NM_001305545.2, NM_001437987.1); short protein forms G130S, G3S.
Identifiers: ClinVar variation 4155807 (VCV004155807.1).